The following is an entry in ClinVar:

NM_001329214.4(MIA2):c.3385C>G (p.Pro1129Ala)

Gene: MIA2 (MIA SH3 domain ER export factor 2; plus strand). Cytogenetic location: 14q21.1.
Variant type: single nucleotide variant.
Coding change: c.3385C>G on transcript NM_001329214.4 (MANE Select); coding-DNA position 3385, C replaced by G.
Protein change: p.Pro1129Ala; replaces proline 1129 with alanine.
Molecular consequence: missense variant. On other transcripts: intron variant (12), non-coding transcript variant (2).
Genome position (GRCh38, 1-based): chr14:39,320,945, C>G. VCF-style: chr14-39320945-C-G. GRCh37 (hg19) VCF-style: chr14-39790149-C-G.
Other names: c.1543+1654C>G (NM_203355.3, NM_001354155.2); c.1465+1654C>G (NM_001354153.2); c.1303+1654C>G (NM_001354144.2, NM_001354145.2, NM_001354142.1 and 1 more transcripts); c.1570+1654C>G (NM_001354152.3); c.1576C>G, p.Pro526Ala (NM_001247989.2); c.1336C>G, p.Pro446Ala (NM_001247990.2); c.1474C>G, p.Pro492Ala (NM_001354137.2, NM_001354138.1, NM_001354148.1 and 1 more transcripts); c.1321C>G, p.Pro441Ala (NM_001354140.2, NM_001354141.2); and 10 more; short protein forms P1129A, P415A, P441A, P446A, P466A, P492A, P495A, P509A.
Identifiers: ClinVar variation 2644195 (VCV002644195.24), dbSNP rs36060072, ClinGen allele CA7164657.
Genomic context (GRCh38, chr14:39,320,945, plus strand): 5'-AAGTGAAACTATGAATTTAAATATGCTGTTTTAATTATTCCAGAGCATTCCCCATATGGT[C>G]CCTCACCATTGGGTTGGCCTTCATCTGAAACAAGAGCTTTTCTCTCTCCTCCAACTTTGT-3'
Protein context (NP_001316143.1, residues 1119-1139): AFGREHSPYG[Pro1129Ala]SPLGWPSSET

ClinVar aggregate classification (germline): Likely benign (1 of 4 stars; one submission).

Allele frequency attached by ClinVar (database versions not stated): 1000 Genomes Project 0.00140; 1000 Genomes Project 30x 0.00156; ESP Exome Variant Server 0.00469.
gnomAD v4.1: 9,406 of 1,613,264 alleles (0.58%); highest among the groups gnomAD compares: Non-Finnish European, 0.68%; 39 homozygotes.

Submission:

CeGaT Center for Human Genetics Tuebingen
Classification: Likely benign. Last evaluated: 2022-11-01. Review status: criteria provided, single submitter. Criteria: CeGaT Center For Human Genetics Tuebingen Variant Classification Criteria Version 2. Collection method: clinical testing. Allele origin: germline. Affected: yes. Observed: 2 variant alleles.
Comment: MIA2: BS2